The following is an entry in ClinVar:

ClinVar aggregate classification (germline): Uncertain significance (1 of 4 stars; one submission).

Conditions:
Cognitive impairment - coarse facies - heart defects - obesity - pulmonary involvement - short stature - skeletal dysplasia syndrome. Also called: COGNITIVE IMPAIRMENT, COARSE FACIES, HEART DEFECTS, OBESITY, PULMONARY INVOLVEMENT, SHORT STATURE, AND SKELETAL DYSPLASIA; Chops syndrome; AFF4-Related CHOPS Syndrome. Identifiers: Orphanet 444077, MedGen C4085597, MONDO:0014609, OMIM 616368.

Allele frequency attached by ClinVar (database versions not stated): gnomAD exomes below 0.00001; TOPMed below 0.00001; gnomAD 0.00001.
gnomAD v4.1: 6 of 1,613,278 alleles (0.00037%); highest among the groups gnomAD compares: Non-Finnish European, 0.00051%; no homozygotes.

Submission:

Labcorp Genetics (formerly Invitae), Labcorp
Classification: Uncertain significance for Cognitive impairment - coarse facies - heart defects - obesity - pulmonary involvement - short stature - skeletal dysplasia syndrome. Last evaluated: 2022-11-24. Review status: criteria provided, single submitter. Criteria: Invitae Variant Classification Sherloc (09022015). Collection method: clinical testing. Allele origin: germline.
Comment: In summary, the available evidence is currently insufficient to determine the role of this variant in disease. Therefore, it has been classified as a Variant of Uncertain Significance. Algorithms developed to predict the effect of missense changes on protein structure and function output the following: SIFT: "Deleterious"; PolyPhen-2: "Probably Damaging"; Align-GVGD: "Class C0". The threonine amino acid residue is found in multiple mammalian species, which suggests that this missense change does not adversely affect protein function. This variant has not been reported in the literature in individuals affected with AFF4-related conditions. This variant is present in population databases (no rsID available, gnomAD 0.0009%). This sequence change replaces alanine, which is neutral and non-polar, with threonine, which is neutral and polar, at codon 1159 of the AFF4 protein (p.Ala1159Thr).

NM_014423.4(AFF4):c.3475G>A (p.Ala1159Thr)

Gene: AFF4 (ALF transcription elongation factor 4; minus strand). Cytogenetic location: 5q31.1.
Variant type: single nucleotide variant.
Coding change: c.3475G>A on transcript NM_014423.4 (MANE Select); coding-DNA position 3475, G replaced by A.
Protein change: p.Ala1159Thr; replaces alanine 1159 with threonine.
Molecular consequence: missense variant.
Genome position (GRCh38, 1-based): chr5:132,881,076, C>T on the plus strand (G>A on the coding strand, the complement: AFF4 is on the minus strand). VCF-style: chr5-132881076-C-T. GRCh37 (hg19) VCF-style: chr5-132216768-C-T.
Other names: short protein forms A1159T.
Identifiers: ClinVar variation 2984484 (VCV002984484.3), dbSNP rs1375913886, ClinGen allele CA360965246.